The following is an entry in ClinVar:

NM_003038.5(SLC1A4):c.1455C>T (p.Gly485=)

Gene: SLC1A4 (solute carrier family 1 member 4; plus strand). Cytogenetic location: 2p14.
Variant type: single nucleotide variant.
Coding change: c.1455C>T on transcript NM_003038.5 (MANE Select); coding-DNA position 1455, C replaced by T.
Protein change: p.Gly485=; no amino-acid change (glycine 485 retained).
Molecular consequence: synonymous variant.
Genome position (GRCh38, 1-based): chr2:65,021,002, C>T. VCF-style: chr2-65021002-C-T. GRCh37 (hg19) VCF-style: chr2-65248136-C-T.
Other names: c.561C>T, p.Gly187= (NM_001193493.2); c.795C>T, p.Gly265= (NM_001348406.2, NM_001348407.2).
Identifiers: ClinVar variation 747689 (VCV000747689.11), dbSNP rs13398698, ClinGen allele CA1686181.

ClinVar aggregate classification (germline): Likely benign. Review status: criteria provided, multiple submitters, no conflicts (2 of 4 stars). 2 submissions from 2 submitters: Likely benign (2). Last evaluated 2025-10-24.

Conditions:
SLC1A4-related disorder. Also called: SLC1A4-related condition.

Allele frequency attached by ClinVar (database versions not stated): gnomAD exomes 0.00004 and 0.00012; ExAC 0.00013; ESP Exome Variant Server 0.00023; gnomAD 0.00035 and 0.00036; TOPMed 0.00044; 1000 Genomes Project 0.00040; 1000 Genomes Project 30x 0.00062.
gnomAD v4.1: 116 of 1,614,236 alleles (0.0072%); highest among the groups gnomAD compares: African/African-American, 0.14%; no homozygotes.

Submissions (2):

Labcorp Genetics (formerly Invitae), Labcorp
Classification: Likely benign. Last evaluated: 2025-10-24. Review status: criteria provided, single submitter. Criteria: Invitae Variant Classification Sherloc (09022015). Collection method: clinical testing. Allele origin: germline.

PreventionGenetics, part of Exact Sciences
Classification: Likely benign for SLC1A4-related condition. Last evaluated: 2025-02-13. Review status: criteria provided, single submitter. Criteria: ACMG Guidelines, 2015. Collection method: clinical testing. Allele origin: germline.
Comment: This variant is classified as likely benign based on ACMG/AMP sequence variant interpretation guidelines (Richards et al. 2015 PMID: 25741868, with internal and published modifications).